The following is an entry in ClinVar:

NM_014780.5(CUL7):c.1695C>T (p.Tyr565=)

Gene: CUL7 (cullin 7; minus strand). Cytogenetic location: 6p21.1.
Variant type: single nucleotide variant.
Coding change: c.1695C>T on transcript NM_014780.5 (MANE Select); coding-DNA position 1695, C replaced by T.
Protein change: p.Tyr565=; no amino-acid change (tyrosine 565 retained).
Molecular consequence: synonymous variant.
Genome position (GRCh38, 1-based): chr6:43,049,537, G>A on the plus strand (C>T on the coding strand, the complement: CUL7 is on the minus strand). VCF-style: chr6-43049537-G-A. GRCh37 (hg19) VCF-style: chr6-43017275-G-A.
Other names: c.1791C>T, p.Tyr597= (NM_001168370.2, NM_001374872.1); c.1695C>T, p.Tyr565= (NM_001374873.1, NM_001374874.1).
Identifiers: ClinVar variation 1573479 (VCV001573479.31), dbSNP rs371008553, ClinGen allele CA3814089.
Genomic context (GRCh38, chr6:43,049,537, plus strand): 5'-GGCTTCTAGAAGGGATGGGTAGGCTTGGTTCCCTGCTAGGGCTTCAGGCCCATACTTCTT[G>A]TAGACATGGCAGTTGATCAGGTCCCTGAGGGCACTGTCATTGAGTCGCTGTGGCAGAGTC-3'
Protein context (NP_055595.2, residues 555-575): ALRDLINCHV[Tyr565=]KKYGPEALAG

ClinVar aggregate classification (germline): Likely benign. Review status: criteria provided, multiple submitters, no conflicts (2 of 4 stars). 2 submissions from 2 submitters: Likely benign (2). Last evaluated 2025-06-12.

Allele frequency attached by ClinVar (database versions not stated): gnomAD exomes 0.00001 and 0.00004; ExAC 0.00005; gnomAD 0.00011 and 0.00014; TOPMed 0.00019; ESP Exome Variant Server 0.00031.
gnomAD v4.1: 36 of 1,614,090 alleles (0.0022%); highest among the groups gnomAD compares: African/African-American, 0.036%; no homozygotes.

Submissions (2):

Labcorp Genetics (formerly Invitae), Labcorp
Classification: Likely benign. Last evaluated: 2025-06-12. Review status: criteria provided, single submitter. Criteria: Invitae Variant Classification Sherloc (09022015). Collection method: clinical testing. Allele origin: germline.

CeGaT Center for Human Genetics Tuebingen
Classification: Likely benign. Last evaluated: 2023-02-01. Review status: criteria provided, single submitter. Criteria: CeGaT Center For Human Genetics Tuebingen Variant Classification Criteria Version 2. Collection method: clinical testing. Allele origin: germline. Affected: yes. Observed: 1 variant allele.
Comment: CUL7: BP4, BP7